The following is an entry in ClinVar:

NM_024548.4(CEP97):c.88C>A (p.Pro30Thr)

Gene: CEP97 (centrosomal protein 97; plus strand). Cytogenetic location: 3q12.3.
Variant type: single nucleotide variant.
Coding change: c.88C>A on transcript NM_024548.4 (MANE Select); coding-DNA position 88, C replaced by A.
Protein change: p.Pro30Thr; replaces proline 30 with threonine.
Molecular consequence: missense variant.
Genome position (GRCh38, 1-based): chr3:101,726,638, C>A. VCF-style: chr3-101726638-C-A. GRCh37 (hg19) VCF-style: chr3-101445482-C-A.
Other names: c.88C>A, p.Pro30Thr (NM_001303401.2, NM_001410784.1, NM_001410785.1); short protein forms P30T.
Identifiers: ClinVar variation 2074713 (VCV002074713.4), dbSNP rs188412281, ClinGen allele CA2521798.

ClinVar aggregate classification (germline): Uncertain significance (1 of 4 stars; one submission).

Allele frequency attached by ClinVar (database versions not stated): ExAC 0.00003; gnomAD exomes 0.00004; gnomAD 0.00003; 1000 Genomes Project 30x 0.00062; 1000 Genomes Project 0.00040.
gnomAD v4.1: 28 of 1,610,728 alleles (0.0017%); highest among the groups gnomAD compares: Admixed American, 0.047%; no homozygotes.

Submission:

Labcorp Genetics (formerly Invitae), Labcorp
Classification: Uncertain significance. Last evaluated: 2024-07-30. Review status: criteria provided, single submitter. Criteria: Invitae Variant Classification Sherloc (09022015). Collection method: clinical testing. Allele origin: germline.
Comment: This sequence change replaces proline, which is neutral and non-polar, with threonine, which is neutral and polar, at codon 30 of the CEP97 protein (p.Pro30Thr). This variant is present in population databases (rs188412281, gnomAD 0.06%), and has an allele count higher than expected for a pathogenic variant. This variant has not been reported in the literature in individuals affected with CEP97-related conditions. ClinVar contains an entry for this variant (Variation ID: 2074713). Advanced modeling of protein sequence and biophysical properties (such as structural, functional, and spatial information, amino acid conservation, physicochemical variation, residue mobility, and thermodynamic stability) performed at Invitae indicates that this missense variant is not expected to disrupt CEP97 protein function with a negative predictive value of 80%. In summary, the available evidence is currently insufficient to determine the role of this variant in disease. Therefore, it has been classified as a Variant of Uncertain Significance.